The following is an entry in ClinVar:

NM_000834.5(GRIN2B):c.1088del (p.Val363fs)

Gene: GRIN2B (glutamate ionotropic receptor NMDA type subunit 2B; minus strand). Cytogenetic location: 12p13.1.
Variant type: Deletion.
Coding change: c.1088del on transcript NM_000834.5 (MANE Select); coding-DNA position 1088, one base deleted (T; older notation c.1088delT).
Protein change: p.Val363fs; shifts the reading frame from valine 363.
Molecular consequence: frameshift variant.
Genome position (GRCh38, 1-based): chr12:13,675,782, A deleted on the plus strand (T on the coding strand, the reverse complement: GRIN2B is on the minus strand). VCF-style (leftmost placement, unchanged base first): chr12-13675781-CA-C. GRCh37 (hg19) VCF-style: chr12-13828715-CA-C.
Other names: short protein forms V363fs.
Identifiers: ClinVar variation 916597 (VCV000916597.1), dbSNP rs1950068369, ClinGen allele CA658820887.
Genomic context (GRCh38, chr12:13,675,781, plus strand): 5'-AGAATTGTCAAAGACATGTCTTACCCTTTCCCACTTCCTCTCCTTGTTCAGAAGAATTAT[CA>C]CCAGTTTCGGGTGCATCTGGTAGCCATCTTCACTGAAGGACAAATTCCTCCCCTCAAAAG-3'

ClinVar aggregate classification (germline): Pathogenic (1 of 4 stars; one submission).

Conditions:
Intellectual developmental disorder, autosomal dominant 6, with or without seizures. Also called: GRIN2B-related developmental delay, intellectual disability and autism spectrum disorder; Intellectual disability, autosomal dominant 6. Identifiers: Orphanet 589547, MedGen C3151411, MONDO:0013509, OMIM 613970.

Submission:

Institute of Human Genetics, University of Leipzig Medical Center
Classification: Pathogenic for Intellectual developmental disorder, autosomal dominant 6, with or without seizures. Last evaluated: 2017-04-04. Review status: criteria provided, single submitter. Criteria: ACMG Guidelines, 2015. Collection method: clinical testing. Allele origin: de novo. Affected: yes.
Comment: This variant was identified as de novo (maternity and paternity confirmed).

Literature cited by the submitters: PubMed 28377535.